The following is an entry in ClinVar:

ClinVar aggregate classification (germline): Uncertain significance (1 of 4 stars; one submission).

Conditions:
Inborn genetic diseases. Identifiers: MedGen C0950123, MeSH D030342.

Submission:

Ambry Genetics
Classification: Uncertain significance for Inborn genetic diseases. Last evaluated: 2026-03-23. Review status: criteria provided, single submitter. Criteria: Ambry Variant Classification Scheme 2023. Collection method: clinical testing. Allele origin: germline.
Comment: The p.T445A variant (also known as c.1333A>G), located in coding exon 5 of the MBD4 gene, results from an A to G substitution at nucleotide position 1333. The threonine at codon 445 is replaced by alanine, an amino acid with similar properties. This amino acid position is conserved. In addition, the in silico prediction for this alteration is inconclusive. Based on the available evidence, the clinical significance of this variant remains unclear.

NM_001276270.2(MBD4):c.1333A>G (p.Thr445Ala)

Gene: MBD4 (methyl-CpG binding domain 4, DNA glycosylase; minus strand). Cytogenetic location: 3q21.3.
Variant type: single nucleotide variant.
Coding change: c.1333A>G on transcript NM_001276270.2 (MANE Select); coding-DNA position 1333, A replaced by G.
Protein change: p.Thr445Ala; replaces threonine 445 with alanine.
Molecular consequence: missense variant.
Genome position (GRCh38, 1-based): chr3:129,433,910, T>C on the plus strand (A>G on the coding strand, the complement: MBD4 is on the minus strand). VCF-style: chr3-129433910-T-C. GRCh37 (hg19) VCF-style: chr3-129152753-T-C.
Other names: c.1351A>G, p.Thr451Ala (NM_001276271.2, NM_001276272.2, NM_003925.3); c.397A>G, p.Thr133Ala (NM_001276273.2); short protein forms T133A, T445A, T451A.
Identifiers: ClinVar variation 4859563 (VCV004859563.1).
Genomic context (GRCh38, chr3:129,433,910, plus strand): 5'-CTGAGGTCCGATTGAGAAATATAGTAGCGATGAGAAGCTTCCATGGATCATGAAAAAGTG[T>C]TTCTTGAACGAGATTAAAAGGTGACCGAGGAGGTGTCCATTTCTTAAAGGCTTTACGTCG-3'
Protein context (NP_001263199.1, residues 435-455): PRSPFNLVQE[Thr445Ala]LFHDPWKLLI